The following is an entry in ClinVar:

ClinVar aggregate classification (germline): Pathogenic. Review status: criteria provided, multiple submitters, no conflicts (2 of 4 stars). 2 submissions from 2 submitters: Pathogenic (2). Last evaluated 2026-06-10.

Conditions:
EXT2-related disorder. Also called: EXT2-related condition.
Exostoses, multiple, type 2 (EXT2). Also called: Hereditary Multiple Osteochondromatosis, Type II; EXOSTOSES, MULTIPLE, TYPE II. Identifiers: Orphanet 321, MedGen C1851413, MONDO:0007586, OMIM 133701.

Submissions (2):

PreventionGenetics, part of Exact Sciences
Classification: Pathogenic for EXT2-related condition. Last evaluated: 2026-06-10. Review status: criteria provided, single submitter. Criteria: ACMG Guidelines, 2015. Collection method: clinical testing. Allele origin: germline.
Comment: The EXT2 c.960delT variant is predicted to result in a frameshift and premature protein termination (p.Leu321Phefs*11). A similar (c.961del), variant resulting in the same premature protein termination (p.Leu321PhefsX11), has been reported in the heterozygous state in an individual with multiple osteosarcomas (Supplementary Table S2, Jennes et al. 2009. PubMed ID: 19810120). The c.960del variant has not been reported in a large population database (gnomAD), indicating this variant is rare. Frameshift variants in EXT2 are expected to be pathogenic. This variant is interpreted as pathogenic.

Labcorp Genetics (formerly Invitae), Labcorp
Classification: Pathogenic for Exostoses, multiple, type 2. Last evaluated: 2024-12-03. Review status: criteria provided, single submitter. Criteria: Invitae Variant Classification Sherloc (09022015). Collection method: clinical testing. Allele origin: germline.
Comment: This sequence change creates a premature translational stop signal (p.Leu321Phefs*11) in the EXT2 gene. It is expected to result in an absent or disrupted protein product. Loss-of-function variants in EXT2 are known to be pathogenic (PMID: 10679937, 19810120). This variant is not present in population databases (gnomAD no frequency). This premature translational stop signal has been observed in individual(s) with multiple osteochondromas (PMID: 19810120). ClinVar contains an entry for this variant (Variation ID: 941039). For these reasons, this variant has been classified as Pathogenic.

Literature cited by the submitters: PubMed 10679937 (cited by Labcorp Genetics (formerly Invitae), Labcorp); PubMed 19810120 (cited by Labcorp Genetics (formerly Invitae), Labcorp).

NM_207122.2(EXT2):c.960del (p.Leu321fs)

Gene: EXT2 (exostosin glycosyltransferase 2; plus strand). Cytogenetic location: 11p11.2.
Variant type: Deletion.
Coding change: c.960del on transcript NM_207122.2 (MANE Select); coding-DNA position 960, one base deleted (T; older notation c.960delT).
Protein change: p.Leu321fs; shifts the reading frame from leucine 321.
Molecular consequence: frameshift variant.
Genome position (GRCh38, 1-based): chr11:44,126,836, T deleted; the last of 2 consecutive T bases (chr11:44,126,835-44,126,836); deleting either gives the same sequence. VCF-style (leftmost placement, unchanged base first): chr11-44126834-GT-G. GRCh37 (hg19) VCF-style: chr11-44148384-GT-G.
Other names: c.1059del, p.Leu354fs (NM_000401.3); c.960del, p.Leu321fs (NM_001178083.3, NM_001389628.1, NM_001389630.1); c.960delT (NM_207122.1); short protein forms L321fs, L354fs.
Identifiers: ClinVar variation 941039 (VCV000941039.11), dbSNP rs1954412043, ClinGen allele CA1139661902.